The following is an entry in ClinVar:

NM_001267550.2(TTN):c.67716C>G (p.Ile22572Met)

Genes: TTN (titin; minus strand), TTN-AS1 (TTN antisense RNA 1; plus strand), LOC126806423 (CDK7 strongly-dependent group 2 enhancer GRCh37_chr2:179443309-179444508; plus strand). Cytogenetic location: 2q31.2.
Variant type: single nucleotide variant.
Coding change: c.67716C>G on transcript NM_001267550.2 (MANE Select); coding-DNA position 67716, C replaced by G.
Protein change: p.Ile22572Met; replaces isoleucine 22572 with methionine.
Molecular consequence: missense variant.
Genome position (GRCh38, 1-based): chr2:178,579,314, G>C on the plus strand (C>G on the coding strand, the complement: TTN is on the minus strand). VCF-style: chr2-178579314-G-C. GRCh37 (hg19) VCF-style: chr2-179444041-G-C.
Other names: c.62793C>G, p.Ile20931Met (NM_001256850.1); c.40521C>G, p.Ile13507Met (NM_003319.4); c.60012C>G, p.Ile20004Met (NM_133378.4); c.40896C>G, p.Ile13632Met (NM_133432.3); c.41097C>G, p.Ile13699Met (NM_133437.4); short protein forms I13507M, I13632M, I13699M, I20931M, I22572M, I20004M.
Identifiers: ClinVar variation 682170 (VCV000682170.1), dbSNP rs754283751, ClinGen allele CA349423133.

ClinVar aggregate classification (germline): Likely benign (1 of 4 stars; one submission).

Allele frequency attached by ClinVar (database versions not stated): TOPMed below 0.00001.

Submission:

GeneDx
Classification: Likely benign. Last evaluated: 2018-04-26. Review status: criteria provided, single submitter. Criteria: GeneDx Variant Classification (06012015). Collection method: clinical testing. Allele origin: germline. Affected: yes.
Comment: This variant is considered likely benign or benign based on one or more of the following criteria: it is a conservative change, it occurs at a poorly conserved position in the protein, it is predicted to be benign by multiple in silico algorithms, and/or has population frequency not consistent with disease.